The following is an entry in ClinVar:

NM_001211.6(BUB1B):c.29C>A (p.Ala10Asp)

Genes: BUB1B (BUB1 mitotic checkpoint serine/threonine kinase B; plus strand), LOC130056830 (ATAC-STARR-seq lymphoblastoid active region 9236; plus strand). Cytogenetic location: 15q15.1.
Variant type: single nucleotide variant.
Coding change: c.29C>A on transcript NM_001211.6 (MANE Select); coding-DNA position 29, C replaced by A.
Protein change: p.Ala10Asp; replaces alanine 10 with aspartic acid.
Molecular consequence: missense variant.
Genome position (GRCh38, 1-based): chr15:40,161,249, C>A. VCF-style: chr15-40161249-C-A. GRCh37 (hg19) VCF-style: chr15-40453450-C-A.
Other names: short protein forms A10D.
Identifiers: ClinVar variation 3993729 (VCV003993729.1).

ClinVar aggregate classification (germline): Uncertain significance (1 of 4 stars; one submission).

Conditions:
Inborn genetic diseases. Identifiers: MedGen C0950123, MeSH D030342.

gnomAD v4.1: 1 of 1,612,682 alleles (0.000062%); highest among the groups gnomAD compares: Non-Finnish European, 0.000085%; no homozygotes.

Submission:

Ambry Genetics
Classification: Uncertain significance for Inborn genetic diseases. Last evaluated: 2025-05-21. Review status: criteria provided, single submitter. Criteria: Ambry Variant Classification Scheme 2023. Collection method: clinical testing. Allele origin: germline.
Comment: The p.A10D variant (also known as c.29C>A), located in coding exon 1 of the BUB1B gene, results from a C to A substitution at nucleotide position 29. The alanine at codon 10 is replaced by aspartic acid, an amino acid with dissimilar properties. This amino acid position is conserved. In addition, this alteration is predicted to be tolerated by in silico analysis. Based on the available evidence, the clinical significance of this variant remains unclear.